The following is an entry in ClinVar:

NM_001690.4(ATP6V1A):c.157G>A (p.Glu53Lys)

Gene: ATP6V1A (ATPase H+ transporting V1 subunit A; plus strand). Cytogenetic location: 3q13.31.
Variant type: single nucleotide variant.
Coding change: c.157G>A on transcript NM_001690.4 (MANE Select); coding-DNA position 157, G replaced by A.
Protein change: p.Glu53Lys; replaces glutamic acid 53 with lysine.
Molecular consequence: missense variant.
Genome position (GRCh38, 1-based): chr3:113,781,124, G>A. VCF-style: chr3-113781124-G-A. GRCh37 (hg19) VCF-style: chr3-113499971-G-A.
Other names: short protein forms E53K.
Identifiers: ClinVar variation 2133793 (VCV002133793.4), dbSNP rs2549717458, ClinGen allele CA354005005.

ClinVar aggregate classification (germline): Uncertain significance (1 of 4 stars; one submission).

Submission:

Labcorp Genetics (formerly Invitae), Labcorp
Classification: Uncertain significance. Last evaluated: 2022-11-15. Review status: criteria provided, single submitter. Criteria: Invitae Variant Classification Sherloc (09022015). Collection method: clinical testing. Allele origin: germline.
Comment: In summary, the available evidence is currently insufficient to determine the role of this variant in disease. Therefore, it has been classified as a Variant of Uncertain Significance. Advanced modeling of protein sequence and biophysical properties (such as structural, functional, and spatial information, amino acid conservation, physicochemical variation, residue mobility, and thermodynamic stability) performed at Invitae indicates that this missense variant is expected to disrupt ATP6V1A protein function. This variant has not been reported in the literature in individuals affected with ATP6V1A-related conditions. This variant is not present in population databases (gnomAD no frequency). This sequence change replaces glutamic acid, which is acidic and polar, with lysine, which is basic and polar, at codon 53 of the ATP6V1A protein (p.Glu53Lys).